The following is an entry in ClinVar:

NM_000353.3(TAT):c.912+1G>A

Genes: TAT (tyrosine aminotransferase; minus strand), TAT-AS1 (TAT antisense RNA 1; plus strand). Cytogenetic location: 16q22.2.
Variant type: single nucleotide variant.
Coding change: c.912+1G>A on transcript NM_000353.3 (MANE Select); the canonical splice donor site of the intron after coding-DNA position 912, G replaced by A.
Molecular consequence: splice donor variant.
Genome position (GRCh38, 1-based): chr16:71,570,678, C>T on the plus strand (G>A on the coding strand, the complement: TAT is on the minus strand). VCF-style: chr16-71570678-C-T. GRCh37 (hg19) VCF-style: chr16-71604581-C-T.
Identifiers: ClinVar variation 1683242 (VCV001683242.4), dbSNP rs2044196815, ClinGen allele CA396651018.

ClinVar aggregate classification (germline): Likely pathogenic. Review status: criteria provided, multiple submitters, no conflicts (2 of 4 stars). 2 submissions from 2 submitters: Likely pathogenic (2). Last evaluated 2023-08-03.

Conditions:
Tyrosinemia type II (TYRSN2). Also called: KERATOSIS PALMOPLANTARIS WITH CORNEAL DYSTROPHY; OREGON TYPE TYROSINEMIA; TAT DEFICIENCY; TYROSINE AMINOTRANSFERASE DEFICIENCY; TYROSINE TRANSAMINASE DEFICIENCY. Identifiers: Orphanet 28378, MedGen C0268487, MONDO:0010160, OMIM 276600.

Allele frequency attached by ClinVar (database versions not stated): gnomAD exomes below 0.00001; gnomAD 0.00001.
gnomAD v4.1: 4 of 1,614,104 alleles (0.00025%); highest among the groups gnomAD compares: African/African-American, 0.0013%; no homozygotes.

Submissions (2):

Labcorp Genetics (formerly Invitae), Labcorp
Classification: Likely pathogenic for Tyrosinemia type II. Last evaluated: 2023-08-03. Review status: criteria provided, single submitter. Criteria: Invitae Variant Classification Sherloc (09022015). Collection method: clinical testing. Allele origin: germline.
Comment: This variant has not been reported in the literature in individuals affected with TAT-related conditions. In summary, the currently available evidence indicates that the variant is pathogenic, but additional data are needed to prove that conclusively. Therefore, this variant has been classified as Likely Pathogenic. Algorithms developed to predict the effect of sequence changes on RNA splicing suggest that this variant may disrupt the consensus splice site. ClinVar contains an entry for this variant (Variation ID: 1683242). This variant is not present in population databases (gnomAD no frequency). This sequence change affects a donor splice site in intron 8 of the TAT gene. It is expected to disrupt RNA splicing. Variants that disrupt the donor or acceptor splice site typically lead to a loss of protein function (PMID: 16199547), and loss-of-function variants in TAT are known to be pathogenic (PMID: 9544843).

Women's Health and Genetics/Laboratory Corporation of America, LabCorp
Classification: Likely pathogenic for Tyrosinemia type II. Last evaluated: 2022-04-14. Review status: criteria provided, single submitter. Criteria: LabCorp Variant Classification Summary - May 2015. Collection method: clinical testing. Allele origin: germline.
Comment: Variant summary: TAT c.912+1G>A alters a conserved nucleotide located in a canonical splice-site and is predicted to affect mRNA splicing resulting in a significantly altered protein due to either exon skipping, shortening, or inclusion of intronic material. Several computational tools predict a significant impact on normal splicing: Three predict the variant abolishes the canonical 5' splicing donor site. However, these predictions have yet to be confirmed by functional studies. The variant was absent in 251146 control chromosomes. To our knowledge, no occurrence of c.912+1G>A in individuals affected with Tyrosinemia Type 2 and no experimental evidence demonstrating its impact on protein function have been reported. No clinical diagnostic laboratories have submitted clinical-significance assessments for this variant to ClinVar after 2014. Based on the evidence outlined above, the variant was classified as likely pathogenic.

Literature cited by the submitters: PubMed 16199547 (cited by Labcorp Genetics (formerly Invitae), Labcorp); PubMed 9544843 (cited by Labcorp Genetics (formerly Invitae), Labcorp).